The following is an entry in ClinVar:

NM_001349338.3(FOXP1):c.631C>T (p.Gln211Ter)

Gene: FOXP1 (forkhead box P1; minus strand). Cytogenetic location: 3p13.
Variant type: single nucleotide variant.
Coding change: c.631C>T on transcript NM_001349338.3 (MANE Select); coding-DNA position 631, C replaced by T.
Protein change: p.Gln211Ter; replaces glutamine 211 with a stop codon.
Molecular consequence: nonsense. On other transcripts: non-coding transcript variant (2).
Genome position (GRCh38, 1-based): chr3:71,046,975, G>A on the plus strand (C>T on the coding strand, the complement: FOXP1 is on the minus strand). VCF-style: chr3-71046975-G-A. GRCh37 (hg19) VCF-style: chr3-71096126-G-A.
Other names: c.631C>T, p.Gln211Ter (NM_001244808.3, NM_001244810.2, NM_001244814.3 and 3 more transcripts); c.403C>T, p.Gln135Ter (NM_001244812.3); c.331C>T, p.Gln111Ter (NM_001244813.3, NM_001244815.2, NM_001349342.3 and 1 more transcripts); c.328C>T, p.Gln110Ter (NM_001349337.2, NM_001349343.3, NM_001349344.3); c.628C>T, p.Gln210Ter (NM_001349341.3); short protein forms Q110*, Q111*, Q135*, Q210*, Q211*.
Identifiers: ClinVar variation 3900209 (VCV003900209.1).
Genomic context (GRCh38, chr3:71,046,975, plus strand): 5'-TATGCCTTCTGTAAAATCAACGCATACCTTGAGCAAGAGGTTGAAGGGGAAGGGCAGGCT[G>A]CCCGGGCTGAATTGTCAGAAGGCCTTGGCGCTGCAAAGACAGGAGGTGCTGCTGCTGTAA-3'

ClinVar aggregate classification (germline): Pathogenic (1 of 4 stars; one submission).

Submission:

GeneDx
Classification: Pathogenic. Last evaluated: 2024-11-25. Review status: criteria provided, single submitter. Criteria: GeneDx Variant Classification Process June 2021. Collection method: clinical testing. Allele origin: germline. Affected: yes.
Comment: Nonsense variant predicted to result in protein truncation or nonsense mediated decay in a gene for which loss of function is a known mechanism of disease; Identified in patients with FOXP1-related disorders referred for genetic testing at GeneDx and in published literature (PMID: 26633542); Not observed at significant frequency in large population cohorts (gnomAD); This variant is associated with the following publications: (PMID: 33057194, 35982159, 26633542)